The following is an entry in ClinVar:

NM_001034853.2(RPGR):c.2252_2255del (p.Lys751fs)

Gene: RPGR (retinitis pigmentosa GTPase regulator; minus strand). Cytogenetic location: Xp11.4.
Variant type: Deletion.
Coding change: c.2252_2255del on transcript NM_001034853.2 (MANE Select); coding-DNA positions 2252 to 2255, 4 bases deleted (AGGA; older notation c.2252_2255delAGGA).
Protein change: p.Lys751fs; shifts the reading frame from lysine 751.
Molecular consequence: frameshift variant. On other transcripts: intron variant (8).
Genome position (GRCh38, 1-based): chrX:38,286,744-38,286,747, TCCT deleted on the plus strand (AGGA on the coding strand, the reverse complement: RPGR is on the minus strand); deleting any 4 consecutive bases within chrX:38,286,744-38,286,749 gives the same sequence; the c. name uses the placement nearest the transcript's 3' end. VCF-style (leftmost placement, unchanged base first): chrX-38286743-CTCCT-C. GRCh37 (hg19) VCF-style: chrX-38145996-CTCCT-C.
Other names: NM_001034853.2(RPGR):c.2252_2255del; p.Lys751fs; c.1902+347_1902+350del (NM_001367245.1); c.1386+4212_1386+4215del (NM_001367251.1); c.1719+347_1719+350del (NM_001367246.1); c.1572+4212_1572+4215del (NM_001367247.1); c.1569+4212_1569+4215del (NM_001367249.1, NM_001367250.1); c.1905+347_1905+350del (NM_000328.3); and 1 more; short protein forms K751fs.
Identifiers: ClinVar variation 975142 (VCV000975142.11), dbSNP rs1475590979, ClinGen allele CA875126776.
Genomic context (GRCh38, chrX:38,286,743, plus strand): 5'-TTCCTCCTTTTCACGTTCTCCCTCCACTTCTTCCCCTTCTCCTTCCTCTTTCCCTTCTCC[CTCCT>C]TCTCTTCTTCCTCTTCTCTGTCTCCCTCCTCTTCTTCTCCTTCTCCATGCTCCTCCTCCC-3'

ClinVar aggregate classification (germline): Pathogenic. Review status: reviewed by expert panel (3 of 4 stars). 5 submissions from 5 submitters: Pathogenic (1). 4 of the submissions do not count toward it. Last evaluated 2025-08-27.

Conditions:
Primary ciliary dyskinesia. Also called: Ciliary dyskinesia. Identifiers: Orphanet 244, MedGen C0008780, MONDO:0016575, HP:0012265.
RPGR-related disorder. Also called: RPGR-related condition.
Retinal dystrophy. Also called: Inherited retinal dystrophy. Identifiers: Orphanet 71862, MedGen C0854723, MeSH D058499, MONDO:0019118, HP:0000556.
RPGR-related retinopathy. Also called: RPGR retinopathy. Identifiers: MedGen CN305589, MONDO:0100437.

Submissions (5):

ClinGen X-linked Inherited Retinal Disease Variant Curation Expert Panel, ClinGen
Classification: Pathogenic for RPGR-related retinopathy. Last evaluated: 2025-08-27. Review status: reviewed by expert panel. Criteria: ClinGen X LinkedIRD ACMG Specifications RPGR V1.0.0. Collection method: curation. Allele origin: germline. Inheritance: X-linked inheritance.
Comment: NM_001034853.2(RPGR):c.2252_2255del (p.Lys751ArgfsTer?) is a frameshift variant due to a 4-nucleotide deletion that introduces a premature stop codon within exon 15 of 15 that is predicted to disrupt a critical C-terminal region required for proper glutamylation of RPGR (PVS1, PMID: 36445968). This variant is absent from gnomAD v4.1.0 (PM2_Supporting). This variant has been reported in at least 2 apparently unrelated probands meeting one of the PS4 requirements of some functional vision impairment in affected males by age 30, and/or decreased or absent cone and/or rod ERG responses (PMIDs: 17325176, 21857984, PS4_Supporting). In summary, this variant is classified as pathogenic for RPGR-related retinopathy based on the ClinGen X-linked Inherited Retinal Disease Expert Panel Specifications to the ACMG/AMP Variant Interpretation Guidelines for RPGR Version 1.0.0; PVS1, PM2_Supporting, and PS4_Supporting.

Blueprint Genetics
Classification: Pathogenic for RPGR-related disorders. Last evaluated: 2022-12-30. Review status: criteria provided, single submitter. Criteria: ACMG Guidelines, 2015. Collection method: clinical testing. Allele origin: germline. Affected: yes. Observed: 5 variant alleles. Not counted in ClinVar's aggregate classification.

Labcorp Genetics (formerly Invitae), Labcorp
Classification: Pathogenic for Primary ciliary dyskinesia. Last evaluated: 2021-12-20. Review status: criteria provided, single submitter. Criteria: Invitae Variant Classification Sherloc (09022015). Collection method: clinical testing. Allele origin: germline. Not counted in ClinVar's aggregate classification.
Comment: This variant disrupts a region of the RPGR (ORF15) protein in which other variant(s) (p.Leu1130Lysfs*13) have been determined to be pathogenic (PMID: 22264887; Invitae). This suggests that this is a clinically significant region of the protein, and that variants that disrupt it are likely to be disease-causing. For these reasons, this variant has been classified as Pathogenic. ClinVar contains an entry for this variant (Variation ID: 975142). This sequence change creates a premature translational stop signal (p.Lys751Argfs*63) in the RPGR (ORF15) gene. While this is not anticipated to result in nonsense mediated decay, it is expected to disrupt the last 402 amino acid(s) of the RPGR (ORF15) protein. This variant is not present in population databases (gnomAD no frequency). This premature translational stop signal has been observed in individual(s) with retinitis pigmentosa (PMID: 11992260). This variant is also known as Lys168fsTer231.

PreventionGenetics, part of Exact Sciences
Classification: Pathogenic. Last evaluated: 2018-06-15. Review status: criteria provided, single submitter. Criteria: ACMG Guidelines, 2015. Collection method: clinical testing. Allele origin: germline. Not counted in ClinVar's aggregate classification.

Institute of Human Genetics, Univ. Regensburg, Univ. Regensburg
Classification: Pathogenic for Retinal dystrophy. Last evaluated: 2008-01-01. Review status: criteria provided, single submitter. Criteria: ACMG Guidelines, 2015. Collection method: clinical testing. Allele origin: germline. Affected: yes. Not counted in ClinVar's aggregate classification.

Literature cited by the submitters: PubMed 22264887 (cited by Labcorp Genetics (formerly Invitae), Labcorp); PubMed 11992260 (cited by Labcorp Genetics (formerly Invitae), Labcorp and Institute of Human Genetics, Univ. Regensburg, Univ. Regensburg); PubMed 349855 (cited by Institute of Human Genetics, Univ. Regensburg, Univ. Regensburg).